The following is an entry in ClinVar:

NM_000540.3(RYR1):c.1930C>T (p.Arg644Cys)

Gene: RYR1 (ryanodine receptor 1; plus strand). Cytogenetic location: 19q13.2.
Variant type: single nucleotide variant.
Coding change: c.1930C>T on transcript NM_000540.3 (MANE Select); coding-DNA position 1930, C replaced by T.
Protein change: p.Arg644Cys; replaces arginine 644 with cysteine.
Molecular consequence: missense variant.
Genome position (GRCh38, 1-based): chr19:38,458,055, C>T. VCF-style: chr19-38458055-C-T. GRCh37 (hg19) VCF-style: chr19-38948695-C-T.
Other names: c.1930C>T, p.Arg644Cys (NM_001042723.2); short protein forms R644C.
Identifiers: ClinVar variation 3069800 (VCV003069800.2), dbSNP rs760672188, ClinGen allele CA062690.

ClinVar aggregate classification (germline): Uncertain significance. Review status: criteria provided, multiple submitters, no conflicts (2 of 4 stars). 2 submissions from 2 submitters: Uncertain significance (2). Last evaluated 2024-03-30.

Conditions:
RYR1-related disorder. Also called: RYR1-related condition; RYR1-related disorders. Identifiers: MedGen CN239331.
Malignant hyperthermia, susceptibility to, 1 (MHS1). Also called: RYR1-Related Malignant Hyperthermia Susceptibility; Anesthesia related hyperthermia; Malignant hyperpyrexia; Fulminating hyperpyrexia; Pharmacogenic myopathy; Malignant hyperthermia suceptibility 1. Identifiers: Orphanet 423, MedGen C2930980, MONDO:0007783, OMIM 145600.

Allele frequency attached by ClinVar (database versions not stated): ExAC 0.00001; gnomAD exomes 0.00001; TOPMed 0.00001.
gnomAD v4.1: 9 of 1,613,524 alleles (0.00056%); highest among the groups gnomAD compares: East Asian, 0.0022%; no homozygotes.

Submissions (2):

Labcorp Genetics (formerly Invitae), Labcorp
Classification: Uncertain significance for RYR1-related disorder. Last evaluated: 2024-03-30. Review status: criteria provided, single submitter. Criteria: Invitae Variant Classification Sherloc (09022015). Collection method: clinical testing. Allele origin: germline.
Comment: This sequence change replaces arginine, which is basic and polar, with cysteine, which is neutral and slightly polar, at codon 644 of the RYR1 protein (p.Arg644Cys). This variant is present in population databases (rs760672188, gnomAD 0.006%). This variant has not been reported in the literature in individuals affected with RYR1-related conditions. Advanced modeling of protein sequence and biophysical properties (such as structural, functional, and spatial information, amino acid conservation, physicochemical variation, residue mobility, and thermodynamic stability) performed at Invitae indicates that this missense variant is expected to disrupt RYR1 protein function with a positive predictive value of 95%. In summary, the available evidence is currently insufficient to determine the role of this variant in disease. Therefore, it has been classified as a Variant of Uncertain Significance.

All of Us Research Program, National Institutes of Health
Classification: Uncertain significance for Malignant hyperthermia, susceptibility to, 1. Last evaluated: 2024-02-05. Review status: criteria provided, single submitter. Criteria: ACMG Guidelines, 2015. Collection method: clinical testing. Allele origin: germline. Inheritance: Autosomal dominant inheritance. Observed: 2 variant alleles, 2 heterozygotes.
Comment: This missense variant replaces arginine with cysteine at codon 644 of the RYR1 protein. Computational prediction suggests that this variant may have deleterious impact on protein structure and function (internally defined REVEL score threshold >= 0.7, PMID: 27666373). To our knowledge, functional studies have not been reported for this variant. This variant has not been reported in individuals affected with RYR1-related disorders in the literature. This variant has been identified in 3/250534 chromosomes in the general population by the Genome Aggregation Database (gnomAD). The available evidence is insufficient to determine the role of this variant in disease conclusively. Therefore, this variant is classified as a Variant of Uncertain Significance.

This study involves interpretation of variants in research participants for the purpose of population health screening. Participant phenotype was not available at the time of variant classification. Additional details can be found in publication PMID: 35346344, PMCID: PMC8962531